The following is an entry in ClinVar:

NM_000089.4(COL1A2):c.1446A>C (p.Pro482=)

Gene: COL1A2 (collagen type I alpha 2 chain; plus strand). Cytogenetic location: 7q21.3.
Variant type: single nucleotide variant.
Coding change: c.1446A>C on transcript NM_000089.4 (MANE Select); coding-DNA position 1446, A replaced by C.
Protein change: p.Pro482=; no amino-acid change (proline 482 retained).
Molecular consequence: synonymous variant.
Genome position (GRCh38, 1-based): chr7:94,412,625, A>C. VCF-style: chr7-94412625-A-C. GRCh37 (hg19) VCF-style: chr7-94041937-A-C.
Other names: p.Pro482=.
Identifiers: ClinVar variation 254952 (VCV000254952.26), dbSNP rs412777, ClinGen allele CA4347065.

ClinVar aggregate classification (germline): Benign. Review status: criteria provided, multiple submitters, no conflicts (2 of 4 stars). 16 submissions from 12 submitters: Benign (14). 2 of the submissions do not count toward it. Last evaluated 2026-02-04.

Conditions:
Osteogenesis imperfecta type I (OI1). Also called: OI, TYPE I; OSTEOGENESIS IMPERFECTA TARDA; OSTEOGENESIS IMPERFECTA WITH BLUE SCLERAE; Osteogenesis imperfecta type 1; Lobstein's Disease; Lobstein disease. Identifiers: Orphanet 216796, Orphanet 666, MedGen C0023931, MONDO:0008146, OMIM 166200. Disease mechanism: loss of function.
Ehlers-Danlos syndrome, classic type, 1 (EDSCL1). Also called: Ehlers-Danlos Syndrome, Classic Type, COL5A1-Related; EHLERS-DANLOS SYNDROME, GRAVIS TYPE; EHLERS-DANLOS SYNDROME, SEVERE CLASSIC TYPE; Ehlers-Danlos syndrome, type 1; EDS I. Identifiers: MedGen C0268335, MONDO:0019567, OMIM 130000.
Cardiovascular phenotype. Identifiers: MedGen CN230736.
Ehlers-Danlos syndrome, arthrochalasia type, 2. Also called: EHLERS-DANLOS SYNDROME, TYPE VIIB, AUTOSOMAL DOMINANT. Identifiers: MedGen CN293783, MONDO:0040501, OMIM 617821.
Osteogenesis imperfecta (OI). Identifiers: Orphanet 666, MedGen C0029434, MeSH D010013, MONDO:0019019.
Osteogenesis imperfecta type III (OI3). Also called: Osteogenesis imperfecta type 3; OI type 3; Osteogenesis imperfecta, progressively deforming with normal sclerae; OI type III; Progressively Deforming Osteogenesis Imperfecta. Identifiers: Orphanet 216812, Orphanet 666, MedGen C0268362, MONDO:0009804, OMIM 259420.
Osteogenesis imperfecta with normal sclerae, dominant form (OI4). Also called: OSTEOGENESIS IMPERFECTA WITH NORMAL SCLERAE; OSTEOGENESIS IMPERFECTA, TYPE IV, WITH DENTINOGENESIS IMPERFECTA; Osteogenesis Imperfecta Type IV; Osteogenesis imperfecta type 4; Common Variable Osteogenesis Imperfecta with Normal Sclerae. Identifiers: Orphanet 216820, Orphanet 666, MedGen C0268363, MONDO:0008148, OMIM 166220.
Osteogenesis imperfecta, perinatal lethal (OI2). Also called: Osteogenesis imperfecta type 2; OI, TYPE II; OSTEOGENESIS IMPERFECTA CONGENITA; OSTEOGENESIS IMPERFECTA, TYPE II; VROLIK TYPE OF OSTEOGENESIS IMPERFECTA; Osteogenesis imperfecta, dominant perinatal lethal. Identifiers: Orphanet 216804, MedGen C0268358, MONDO:0008147, OMIM 166210.

Allele frequency attached by ClinVar (database versions not stated): 1000 Genomes Project 30x 0.32245; 1000 Genomes Project 0.32728; TOPMed 0.34738; gnomAD 0.35874; ESP Exome Variant Server 0.36106.
gnomAD v4.1: 572,365 of 1,613,478 alleles (35%); highest among the groups gnomAD compares: Non-Finnish European, 36%; 102,569 homozygotes.

Submissions (16):

Labcorp Genetics (formerly Invitae), Labcorp
Classification: Benign for Osteogenesis imperfecta type I; Ehlers-Danlos syndrome, classic type, 1. Last evaluated: 2026-02-04. Review status: criteria provided, single submitter. Criteria: Invitae Variant Classification Sherloc (09022015). Collection method: clinical testing. Allele origin: germline.

Blueprint Genetics
Classification: Benign. Last evaluated: 2024-11-27. Review status: criteria provided, single submitter. Criteria: ACMG Guidelines, 2015. Collection method: clinical testing. Allele origin: germline.

Genome-Nilou Lab
Classification: Benign for Ehlers-Danlos syndrome, arthrochalasia type, 2. Last evaluated: 2021-07-22. Review status: criteria provided, single submitter. Criteria: ACMG Guidelines, 2015. Collection method: clinical testing. Allele origin: germline. Affected: no.

Genome-Nilou Lab
Classification: Benign for Osteogenesis imperfecta, perinatal lethal. Last evaluated: 2021-07-22. Review status: criteria provided, single submitter. Criteria: ACMG Guidelines, 2015. Collection method: clinical testing. Allele origin: germline. Affected: no.

Genome-Nilou Lab
Classification: Benign for Osteogenesis imperfecta type III. Last evaluated: 2021-07-22. Review status: criteria provided, single submitter. Criteria: ACMG Guidelines, 2015. Collection method: clinical testing. Allele origin: germline. Affected: no.

Genome-Nilou Lab
Classification: Benign for Osteogenesis imperfecta with normal sclerae, dominant form. Last evaluated: 2021-07-22. Review status: criteria provided, single submitter. Criteria: ACMG Guidelines, 2015. Collection method: clinical testing. Allele origin: germline. Affected: no.

Mayo Clinic Laboratories, Mayo Clinic
Classification: Benign. Last evaluated: 2019-03-13. Review status: criteria provided, single submitter. Criteria: ACMG Guidelines, 2015. Collection method: clinical testing. Allele origin: germline. Observed: 2,665 variant alleles.

Ambry Genetics
Classification: Benign for Cardiovascular phenotype. Last evaluated: 2018-12-04. Review status: criteria provided, single submitter. Criteria: Ambry Variant Classification Scheme 2023. Collection method: clinical testing. Allele origin: germline.

Illumina Laboratory Services, Illumina
Classification: Benign for Osteogenesis imperfecta. Last evaluated: 2018-01-12. Review status: criteria provided, single submitter. Criteria: ICSL Variant Classification Criteria 13 December 2019. Collection method: clinical testing. Allele origin: germline.
Comment: This variant was observed in the ICSL laboratory as part of a predisposition screen in an ostensibly healthy population. It had not been previously curated by ICSL or reported in the Human Gene Mutation Database (HGMD: prior to June 1st, 2018), and was therefore a candidate for classification through an automated scoring system. Utilizing variant allele frequency, disease prevalence and penetrance estimates, and inheritance mode, an automated score was calculated to assess if this variant is too frequent to cause the disease. Based on the score and internal cut-off values, a variant classified as benign is not then subjected to further curation. The score for this variant resulted in a classification of benign for this disease.

Illumina Laboratory Services, Illumina
Classification: Benign for Ehlers-Danlos syndrome, arthrochalasia type, 2. Last evaluated: 2018-01-12. Review status: criteria provided, single submitter. Criteria: ICSL Variant Classification Criteria 13 December 2019. Collection method: clinical testing. Allele origin: germline.
Comment: the same text as in the submission from Illumina Laboratory Services, Illumina above.

Athena Diagnostics
Classification: Benign. Last evaluated: 2017-07-26. Review status: criteria provided, single submitter. Criteria: Athena Diagnostics Criteria. Collection method: clinical testing. Allele origin: germline.

GeneDx
Classification: Benign. Last evaluated: 2016-03-03. Review status: criteria provided, single submitter. Criteria: GeneDx Variant Classification (06012015). Collection method: clinical testing. Allele origin: germline. Affected: yes.
Comment: This variant is considered likely benign or benign based on one or more of the following criteria: it is a conservative change, it occurs at a poorly conserved position in the protein, it is predicted to be benign by multiple in silico algorithms, and/or has population frequency not consistent with disease.

Breakthrough Genomics
Classification: Benign. Review status: criteria provided, single submitter. Criteria: ACMG Guidelines, 2015. Collection method: not provided. Allele origin: germline. Inheritance: Autosomal recessive inheritance. Affected: yes.

PreventionGenetics, part of Exact Sciences
Classification: Benign. Review status: criteria provided, single submitter. Criteria: ACMG Guidelines, 2015. Collection method: clinical testing. Allele origin: germline.

Genome Diagnostics Laboratory, Amsterdam University Medical Center
Classification: Benign. Review status: no assertion criteria provided. Collection method: clinical testing. Allele origin: germline. Affected: yes. Study: VKGL Data-share Consensus. Not counted in ClinVar's aggregate classification.

Joint Genome Diagnostic Labs from Nijmegen and Maastricht, Radboudumc and MUMC+
Classification: Benign. Review status: no assertion criteria provided. Collection method: clinical testing. Allele origin: germline. Affected: yes. Study: VKGL Data-share Consensus. Not counted in ClinVar's aggregate classification.